The following is an entry in ClinVar:

ClinVar aggregate classification (germline): Uncertain significance (1 of 4 stars; one submission).

Conditions:
Familial thoracic aortic aneurysm and aortic dissection (TAAD). Also called: Thoracic aortic aneurysms and dissections. Identifiers: Orphanet 91387, MedGen C4707243, MONDO:0019625.

Submission:

Color Diagnostics, LLC DBA Color Health
Classification: Uncertain significance for Familial thoracic aortic aneurysm and aortic dissection. Last evaluated: 2024-03-06. Review status: criteria provided, single submitter. Criteria: ACMG Guidelines, 2015. Collection method: clinical testing. Allele origin: germline.
Comment: This missense variant replaces leucine with arginine at codon 1544 of the MYH11 protein. This variant is also known as c.4610T>G, p.Leu1537Arg based on transcript NM_002474.3. Computational prediction suggests that this variant may have deleterious impact on protein structure and function (internally defined REVEL score threshold >= 0.7, PMID: 27666373). To our knowledge, functional studies have not been reported for this variant. This variant has not been reported in individuals affected with cardiovascular disorders in the literature. This variant has not been identified in the general population by the Genome Aggregation Database (gnomAD). The available evidence is insufficient to determine the role of this variant in disease conclusively. Therefore, this variant is classified as a Variant of Uncertain Significance.

NM_002474.3(MYH11):c.4610T>G (p.Leu1537Arg)

Genes: NDE1 (nudE neurodevelopment protein 1; plus strand), MYH11 (myosin heavy chain 11; minus strand). Cytogenetic location: 16p13.11.
Variant type: single nucleotide variant.
Coding change: c.4610T>G on transcript NM_002474.3 (MANE Select); coding-DNA position 4610, T replaced by G.
Protein change: p.Leu1537Arg; replaces leucine 1537 with arginine.
Molecular consequence: missense variant. On other transcripts: intron variant (2).
Genome position (GRCh38, 1-based): chr16:15,721,020, A>C on the plus strand (T>G on the coding strand, the complement: MYH11 is on the minus strand). VCF-style: chr16-15721020-A-C. GRCh37 (hg19) VCF-style: chr16-15814877-A-C.
Other names: c.4631T>G, p.Leu1544Arg (NM_001040113.2, NM_001040114.2); c.4610T>G, p.Leu1537Arg (NM_022844.3); c.948-3171A>C (NM_001143979.2, NM_017668.3); short protein forms L1537R, L1544R.
Identifiers: ClinVar variation 2773804 (VCV002773804.2), dbSNP rs2506121376, ClinGen allele CA394854567.